The following is an entry in ClinVar:

ClinVar aggregate classification (germline): Likely benign (1 of 4 stars; one submission).

gnomAD v4.1: 1 of 1,613,000 alleles (0.000062%); highest among the groups gnomAD compares: Admixed American, 0.0017%; no homozygotes.

Submission:

CeGaT Center for Human Genetics Tuebingen
Classification: Likely benign. Last evaluated: 2024-09-01. Review status: criteria provided, single submitter. Criteria: CeGaT Center For Human Genetics Tuebingen Variant Classification Criteria Version 2. Collection method: clinical testing. Allele origin: germline. Affected: yes. Observed: 1 variant allele.
Comment: IL17REL: BP4, BP7

NM_001371417.1(IL17REL):c.774G>A (p.Ala258=)

Gene: IL17REL (interleukin 17 receptor E like; minus strand). Cytogenetic location: 22q13.33.
Variant type: single nucleotide variant.
Coding change: c.774G>A on transcript NM_001371417.1 (MANE Select); coding-DNA position 774, G replaced by A.
Protein change: p.Ala258=; no amino-acid change (alanine 258 retained).
Molecular consequence: synonymous variant.
Genome position (GRCh38, 1-based): chr22:49,999,334, C>T on the plus strand (G>A on the coding strand, the complement: IL17REL is on the minus strand). VCF-style: chr22-49999334-C-T. GRCh37 (hg19) VCF-style: chr22-50437763-C-T.
Other names: c.558G>A, p.Ala186= (NM_001001694.3); c.774G>A, p.Ala258= (NM_001371416.1).
Identifiers: ClinVar variation 3389804 (VCV003389804.14).